The following is an entry in ClinVar:

ClinVar aggregate classification (germline): Pathogenic (1 of 4 stars; one submission).

Conditions:
Mitochondrial disease. Also called: Mitochondrial disorders; Mitochondrial disorder. Identifiers: Orphanet 68380, MedGen C0751651, MeSH D028361, MONDO:0044970.

Submission:

Genomenon, Inc
Classification: Pathogenic for Mitochondrial disease. Last evaluated: 2025-11-24. Review status: criteria provided, single submitter. Criteria: Genomenon Sequence Variant Interpretation Standards - Updated. Collection method: curation. Allele origin: germline. Affected: yes.
Comment: TK2 c.125-1G>C is a canonical splice variant located in the acceptor splice region of intron 1. It is predicted to affect mRNA splicing, leading to a deleterious effect on the TK2 protein. This variant has been observed in a proband affected with mitochondrial disease in the compound heterozygous state (27660820). This variant is not present at a significant frequency in gnomAD. In conclusion, we classify TK2 c.125-1G>C as a pathogenic variant.

Literature cited by the submitters: PubMed 27660820.

NM_004614.5(TK2):c.125-1G>C

Gene: TK2 (thymidine kinase 2; minus strand). Cytogenetic location: 16q21.
Variant type: single nucleotide variant.
Coding change: c.125-1G>C on transcript NM_004614.5 (MANE Select); the canonical splice acceptor site of the intron before coding-DNA position 125, G replaced by C.
Molecular consequence: splice acceptor variant. On other transcripts: non-coding transcript variant (1).
Genome position (GRCh38, 1-based): chr16:66,549,010, C>G on the plus strand (G>C on the coding strand, the complement: TK2 is on the minus strand). VCF-style: chr16-66549010-C-G. GRCh37 (hg19) VCF-style: chr16-66582913-C-G.
Other names: c.32-1G>C (NM_001271935.1, NM_001172643.1); c.125-1G>C (NM_001172644.2, NM_001172645.2); c.-118-1G>C (NM_001271934.2); c.-167-1G>C (NM_001272050.2).
Identifiers: ClinVar variation 3778871 (VCV003778871.2).